The following is an entry in ClinVar:

NM_001846.4(COL4A2):c.288C>T (p.Pro96=)

Gene: COL4A2 (collagen type IV alpha 2 chain; plus strand). Cytogenetic location: 13q34.
Variant type: single nucleotide variant.
Coding change: c.288C>T on transcript NM_001846.4 (MANE Select); coding-DNA position 288, C replaced by T.
Protein change: p.Pro96=; no amino-acid change (proline 96 retained).
Molecular consequence: synonymous variant.
Genome position (GRCh38, 1-based): chr13:110,424,841, C>T. VCF-style: chr13-110424841-C-T. GRCh37 (hg19) VCF-style: chr13-111077188-C-T.
Other names: c.288C>T (NM_001846.3).
Identifiers: ClinVar variation 2889134 (VCV002889134.6), dbSNP rs370490372, ClinGen allele CA7048822.

ClinVar aggregate classification (germline): Likely benign. Review status: criteria provided, multiple submitters, no conflicts (2 of 4 stars). 4 submissions from 4 submitters: Likely benign (3). 1 of the submissions does not count toward it. Last evaluated 2025-07-21.

Conditions:
COL4A2-related disorder. Also called: COL4A2-related disorders; COL4A2-related condition.

Allele frequency attached by ClinVar (database versions not stated): ExAC 0.00005; TOPMed 0.00005; gnomAD 0.00007; gnomAD exomes 0.00010; ESP Exome Variant Server 0.00016.
gnomAD v4.1: 147 of 1,613,882 alleles (0.0091%); highest among the groups gnomAD compares: Middle Eastern, 0.016%; no homozygotes.

Submissions (4):

Women's Health and Genetics/Laboratory Corporation of America, LabCorp
Classification: Likely benign. Last evaluated: 2025-07-21. Review status: criteria provided, single submitter. Criteria: LabCorp Variant Classification Summary - May 2015. Collection method: clinical testing. Allele origin: germline.

Labcorp Genetics (formerly Invitae), Labcorp
Classification: Likely benign. Last evaluated: 2024-10-17. Review status: criteria provided, single submitter. Criteria: Invitae Variant Classification Sherloc (09022015). Collection method: clinical testing. Allele origin: germline.

Blueprint Genetics
Classification: Likely benign. Last evaluated: 2024-10-11. Review status: criteria provided, single submitter. Criteria: ACMG Guidelines, 2015. Collection method: clinical testing. Allele origin: germline.

PreventionGenetics, part of Exact Sciences
Classification: Likely benign for COL4A2-related condition. Last evaluated: 2019-04-15. Review status: no assertion criteria provided. Collection method: clinical testing. Allele origin: germline. Not counted in ClinVar's aggregate classification.
Comment: This variant is classified as likely benign based on ACMG/AMP sequence variant interpretation guidelines (Richards et al. 2015 PMID: 25741868, with internal and published modifications).